The following is an entry in ClinVar:

ClinVar aggregate classification (germline): Uncertain significance (1 of 4 stars; one submission).

Conditions:
Neuromuscular disease caused by qualitative or quantitative defects of dysferlin. Also called: Dysferlinopathy; Qualitative or quantitative defects of dysferlin. Identifiers: Orphanet 207073, MedGen C2931687, MONDO:0016145.

Allele frequency attached by ClinVar (database versions not stated): gnomAD exomes below 0.00001; gnomAD 0.00001.
gnomAD v4.1: 2 of 1,614,082 alleles (0.00012%); highest among the groups gnomAD compares: Admixed American, 0.0017%; no homozygotes.

Submission:

Labcorp Genetics (formerly Invitae), Labcorp
Classification: Uncertain significance for Neuromuscular disease caused by qualitative or quantitative defects of dysferlin. Last evaluated: 2022-07-06. Review status: criteria provided, single submitter. Criteria: Invitae Variant Classification Sherloc (09022015). Collection method: clinical testing. Allele origin: germline.
Comment: This sequence change replaces glutamic acid, which is acidic and polar, with aspartic acid, which is acidic and polar, at codon 864 of the DYSF protein (p.Glu864Asp). This variant is not present in population databases (gnomAD no frequency). This variant has not been reported in the literature in individuals affected with DYSF-related conditions. Advanced modeling of protein sequence and biophysical properties (such as structural, functional, and spatial information, amino acid conservation, physicochemical variation, residue mobility, and thermodynamic stability) performed at Invitae indicates that this missense variant is not expected to disrupt DYSF protein function. In summary, the available evidence is currently insufficient to determine the role of this variant in disease. Therefore, it has been classified as a Variant of Uncertain Significance.

NM_001130987.2(DYSF):c.2646G>C (p.Glu882Asp)

Gene: DYSF (dysferlin; plus strand). Cytogenetic location: 2p13.2.
Variant type: single nucleotide variant.
Coding change: c.2646G>C on transcript NM_001130987.2 (MANE Select); coding-DNA position 2646, G replaced by C.
Protein change: p.Glu882Asp; replaces glutamic acid 882 with aspartic acid.
Molecular consequence: missense variant.
Genome position (GRCh38, 1-based): chr2:71,568,031, G>C. VCF-style: chr2-71568031-G-C. GRCh37 (hg19) VCF-style: chr2-71795161-G-C.
Other names: c.2595G>C, p.Glu865Asp (NM_001130455.2, NM_001130983.2); c.2550G>C, p.Glu850Asp (NM_001130976.2, NM_001130977.2); c.2592G>C, p.Glu864Asp (NM_001130978.2, NM_003494.4); c.2685G>C, p.Glu895Asp (NM_001130979.2); c.2643G>C, p.Glu881Asp (NM_001130980.2, NM_001130981.2); c.2688G>C, p.Glu896Asp (NM_001130982.2); c.2553G>C, p.Glu851Asp (NM_001130984.2, NM_001130986.2); c.2646G>C, p.Glu882Asp (NM_001130985.2); short protein forms E851D, E864D, E865D, E850D, E881D, E895D, E882D, E896D.
Identifiers: ClinVar variation 1955644 (VCV001955644.2), dbSNP rs2092209591, ClinGen allele CA347213704.